The following is an entry in ClinVar:

NM_000038.6(APC):c.136-625A>C

Gene: APC (APC regulator of WNT signaling pathway; plus strand). Cytogenetic location: 5q22.2.
Variant type: single nucleotide variant.
Coding change: c.136-625A>C on transcript NM_000038.6 (MANE Select); 625 bases into the intron before coding-DNA position 136, A replaced by C.
Molecular consequence: intron variant.
Genome position (GRCh38, 1-based): chr5:112,765,701, A>C. VCF-style: chr5-112765701-A-C. GRCh37 (hg19) VCF-style: chr5-112101398-A-C.
Other names: c.136-625A>C (NM_001354895.2, NM_001127510.3, NM_001354896.2 and 2 more transcripts); c.166-625A>C (NM_001354897.2, NM_001354902.2, NM_001127511.3); c.61-625A>C (NM_001354898.2, NM_001354904.2); c.-900-625A>C (NM_001354906.2); c.-42-625A>C (NM_001354900.2, NM_001354901.2, NM_001354905.2).
Identifiers: ClinVar variation 82391 (VCV000082391.2), dbSNP rs76452131, ClinGen allele CA004853.
Genomic context (GRCh38, chr5:112,765,701, plus strand): 5'-AATATAAATTATTATTAAGTAGCATGCAATAAGAGCCAAAGTTCACAAATGTAATGGCAG[A>C]AAAACTGGTAGAAAATGAAAATTTCCAACATTCTTTGAGAAAAAATGATCAAGAAAGGGA-3'

ClinVar aggregate classification (germline): other (0 of 4 stars; one submission).

Conditions:
Familial colorectal cancer. Identifiers: MedGen CN280943, MONDO:0023113. Disease mechanism: loss of function.

Submission:

Systems Biology Platform Zhejiang California International NanoSystems Institute
Classification: other for Familial colorectal cancer. Review status: no assertion criteria provided. Collection method: not provided. Allele origin: unknown.
ClinVar note: Converted during submission from cancer to other.